The following is an entry in ClinVar:

ClinVar aggregate classification (germline): Uncertain significance. Review status: criteria provided, multiple submitters, no conflicts (2 of 4 stars). 2 submissions from 2 submitters: Uncertain significance (2). Last evaluated 2025-05-23.

Conditions:
Arrhythmogenic right ventricular dysplasia 13. Also called: Arrhythmogenic right ventricular dysplasia, familial, 13; ARRHYTHMOGENIC RIGHT VENTRICULAR CARDIOMYOPATHY 13. Identifiers: MedGen C3810138, MONDO:0000908, OMIM 615616.

Allele frequency attached by ClinVar (database versions not stated): gnomAD exomes below 0.00001; ExAC 0.00001; ESP Exome Variant Server 0.00008.
gnomAD v4.1: 45 of 1,613,656 alleles (0.0028%); highest among the groups gnomAD compares: Non-Finnish European, 0.0037%; no homozygotes.

Submissions (2):

Ambry Genetics
Classification: Uncertain significance. Last evaluated: 2025-05-23. Review status: criteria provided, single submitter. Criteria: Ambry Variant Classification Scheme 2023. Collection method: clinical testing. Allele origin: germline.

Labcorp Genetics (formerly Invitae), Labcorp
Classification: Uncertain significance for Arrhythmogenic right ventricular dysplasia 13. Last evaluated: 2020-08-04. Review status: criteria provided, single submitter. Criteria: Invitae Variant Classification Sherloc (09022015). Collection method: clinical testing. Allele origin: germline.
Comment: This sequence change replaces lysine with glutamic acid at codon 681 of the CTNNA3 protein (p.Lys681Glu). The lysine residue is moderately conserved and there is a small physicochemical difference between lysine and glutamic acid. This variant is present in population databases (rs142116698, ExAC 0.002%). This variant has not been reported in the literature in individuals with CTNNA3-related conditions. Algorithms developed to predict the effect of missense changes on protein structure and function are either unavailable or do not agree on the potential impact of this missense change (SIFT: "Deleterious"; PolyPhen-2: "Not Available"; Align-GVGD: "Class C0"). In summary, the available evidence is currently insufficient to determine the role of this variant in disease. Therefore, it has been classified as a Variant of Uncertain Significance.

NM_013266.4(CTNNA3):c.2041A>G (p.Lys681Glu)

Gene: CTNNA3 (catenin alpha 3; minus strand). Cytogenetic location: 10q21.3.
Variant type: single nucleotide variant.
Coding change: c.2041A>G on transcript NM_013266.4 (MANE Select); coding-DNA position 2041, A replaced by G.
Protein change: p.Lys681Glu; replaces lysine 681 with glutamic acid.
Molecular consequence: missense variant.
Genome position (GRCh38, 1-based): chr10:66,069,426, T>C on the plus strand (A>G on the coding strand, the complement: CTNNA3 is on the minus strand). VCF-style: chr10-66069426-T-C. GRCh37 (hg19) VCF-style: chr10-67829184-T-C.
Other names: c.2041A>G, p.Lys681Glu (NM_001127384.3); c.2041A>G (NM_013266.2); short protein forms K681E.
Identifiers: ClinVar variation 1038290 (VCV001038290.11), dbSNP rs142116698, ClinGen allele CA5519712.
Genomic context (GRCh38, chr10:66,069,426, plus strand): 5'-TGTCGTTGCTTGTATCATCCCATATCTCAATCTCAGCATCCAGCTTACTCTTTACTTTCT[T>C]GAAATCAGCAACTTGCTCAGCAATCTTTTCTTTTTCTGCCTCAGGCAGTTGAGTCATCTT-3'
Protein context (NP_037398.2, residues 671-691): EKIAEQVADF[Lys681Glu]KVKSKLDAEI